The following is an entry in ClinVar:

ClinVar aggregate classification (germline): Benign/Likely benign. Review status: criteria provided, multiple submitters, no conflicts (2 of 4 stars). 26 submissions from 19 submitters: Benign (19); Likely benign (3). 4 of the submissions do not count toward it. Last evaluated 2026-02-04.

Conditions:
Dilated cardiomyopathy 1G (CMD1G). Identifiers: Orphanet 154, MedGen C1858763, MONDO:0011400, OMIM 604145.
Autosomal recessive limb-girdle muscular dystrophy type 2J (LGMDR10). Also called: MUSCULAR DYSTROPHY, LIMB-GIRDLE, AUTOSOMAL RECESSIVE 10; Limb-girdle muscular dystrophy, type 2J. Identifiers: Orphanet 140922, MedGen C1837342, MONDO:0012127, OMIM 608807.
Cardiovascular phenotype. Identifiers: MedGen CN230736.
Early-onset myopathy with fatal cardiomyopathy (CMYO5). Also called: CONGENITAL MYOPATHY 5 WITH CARDIOMYOPATHY; Salih Myopathy. Identifiers: Orphanet 289377, MedGen C2673677, MONDO:0012714, OMIM 611705. Disease mechanism: loss of function.
Myopathy, myofibrillar, 9, with early respiratory failure (MFM9). Also called: Myopathy, distal, with early respiratory failure, autosomal dominant; Hereditary myopathy with early respiratory failure; MYOPATHY, PROXIMAL, WITH EARLY RESPIRATORY MUSCLE INVOLVEMENT; EDSTROM MYOPATHY. Identifiers: Orphanet 178464, Orphanet 34521, MedGen C1863599, MONDO:0011362, OMIM 603689.
Tibial muscular dystrophy (TMD). Also called: Udd Distal Myopathy – Tibial Muscular Dystrophy; Tibial muscular dystrophy, tardive; UDD MYOPATHY. Identifiers: Orphanet 609, MedGen C1838244, MONDO:0010870, OMIM 600334.

Allele frequency attached by ClinVar (database versions not stated): gnomAD 0.01992 and 0.02014; 1000 Genomes Project 30x 0.02077; gnomAD exomes 0.02322 and 0.02602; ExAC 0.02618; ESP Exome Variant Server 0.01604; TOPMed 0.01854; 1000 Genomes Project 0.02236.
gnomAD v4.1: 36,915 of 1,613,398 alleles (2.3%); highest among the groups gnomAD compares: East Asian, 6.3%; 526 homozygotes.

Submissions (26):

Labcorp Genetics (formerly Invitae), Labcorp
Classification: Benign for Dilated cardiomyopathy 1G; Autosomal recessive limb-girdle muscular dystrophy type 2J. Last evaluated: 2026-02-04. Review status: criteria provided, single submitter. Criteria: Invitae Variant Classification Sherloc (09022015). Collection method: clinical testing. Allele origin: germline.

Molecular Diagnostic Laboratory for Inherited Cardiovascular Disease, Montreal Heart Institute
Classification: Benign. Last evaluated: 2025-04-09. Review status: criteria provided, single submitter. Criteria: ACMG Guidelines, 2015. Collection method: clinical testing. Allele origin: germline. Affected: no.

Genome-Nilou Lab
Classification: Benign for Autosomal recessive limb-girdle muscular dystrophy type 2J. Last evaluated: 2021-09-10. Review status: criteria provided, single submitter. Criteria: ACMG Guidelines, 2015. Collection method: clinical testing. Allele origin: germline. Affected: no.

Genome-Nilou Lab
Classification: Benign for Myopathy, myofibrillar, 9, with early respiratory failure. Last evaluated: 2021-09-10. Review status: criteria provided, single submitter. Criteria: ACMG Guidelines, 2015. Collection method: clinical testing. Allele origin: germline. Affected: no.

Genome-Nilou Lab
Classification: Benign for Early-onset myopathy with fatal cardiomyopathy. Last evaluated: 2021-09-10. Review status: criteria provided, single submitter. Criteria: ACMG Guidelines, 2015. Collection method: clinical testing. Allele origin: germline. Affected: no.

Genome-Nilou Lab
Classification: Benign for Tibial muscular dystrophy. Last evaluated: 2021-09-10. Review status: criteria provided, single submitter. Criteria: ACMG Guidelines, 2015. Collection method: clinical testing. Allele origin: germline. Affected: no.

Women's Health and Genetics/Laboratory Corporation of America, LabCorp
Classification: Likely benign. Last evaluated: 2020-01-11. Review status: criteria provided, single submitter. Criteria: LabCorp Variant Classification Summary - May 2015. Collection method: clinical testing. Allele origin: germline.

Athena Diagnostics
Classification: Benign. Last evaluated: 2019-01-16. Review status: criteria provided, single submitter. Criteria: Athena Diagnostics Criteria. Collection method: clinical testing. Allele origin: germline.

Illumina Laboratory Services, Illumina
Classification: Benign for Myopathy, myofibrillar, 9, with early respiratory failure. Last evaluated: 2018-01-13. Review status: criteria provided, single submitter. Criteria: ICSL Variant Classification Criteria 13 December 2019. Collection method: clinical testing. Allele origin: germline.
Comment: This variant was observed in the ICSL laboratory as part of a predisposition screen in an ostensibly healthy population. It had not been previously curated by ICSL or reported in the Human Gene Mutation Database (HGMD: prior to June 1st, 2018), and was therefore a candidate for classification through an automated scoring system. Utilizing variant allele frequency, disease prevalence and penetrance estimates, and inheritance mode, an automated score was calculated to assess if this variant is too frequent to cause the disease. Based on the score and internal cut-off values, a variant classified as benign is not then subjected to further curation. The score for this variant resulted in a classification of benign for this disease.

Illumina Laboratory Services, Illumina
Classification: Likely benign for Dilated cardiomyopathy 1G. Last evaluated: 2018-01-13. Review status: criteria provided, single submitter. Criteria: ICSL Variant Classification Criteria 13 December 2019. Collection method: clinical testing. Allele origin: germline.
Comment: This variant was observed in the ICSL laboratory as part of a predisposition screen in an ostensibly healthy population. It had not been previously curated by ICSL or reported in the Human Gene Mutation Database (HGMD: prior to June 1st, 2018), and was therefore a candidate for classification through an automated scoring system. Utilizing variant allele frequency, disease prevalence and penetrance estimates, and inheritance mode, an automated score was calculated to assess if this variant is too frequent to cause the disease. Based on the score and internal cut-off values, a variant classified as likely benign is not then subjected to further curation. The score for this variant resulted in a classification of likely benign for this disease.

Illumina Laboratory Services, Illumina
Classification: Benign for Tibial muscular dystrophy. Last evaluated: 2018-01-13. Review status: criteria provided, single submitter. Criteria: ICSL Variant Classification Criteria 13 December 2019. Collection method: clinical testing. Allele origin: germline.
Comment: the same text as in the submission from Illumina Laboratory Services, Illumina above.

Illumina Laboratory Services, Illumina
Classification: Benign for Early-onset myopathy with fatal cardiomyopathy. Last evaluated: 2018-01-13. Review status: criteria provided, single submitter. Criteria: ICSL Variant Classification Criteria 13 December 2019. Collection method: clinical testing. Allele origin: germline.
Comment: the same text as in the submission from Illumina Laboratory Services, Illumina above.

Illumina Laboratory Services, Illumina
Classification: Benign for Autosomal recessive limb-girdle muscular dystrophy type 2J. Last evaluated: 2018-01-13. Review status: criteria provided, single submitter. Criteria: ICSL Variant Classification Criteria 13 December 2019. Collection method: clinical testing. Allele origin: germline.
Comment: the same text as in the submission from Illumina Laboratory Services, Illumina above.

Mayo Clinic Laboratories, Mayo Clinic
Classification: Benign. Last evaluated: 2017-10-03. Review status: criteria provided, single submitter. Criteria: ACMG Guidelines, 2015. Collection method: clinical testing. Allele origin: germline. Observed: 96 variant alleles.

Genetic Services Laboratory, University of Chicago
Classification: Benign for AllHighlyPenetrant. Last evaluated: 2013-08-15. Review status: criteria provided, single submitter. Criteria: ACMG Guidelines, 2007. Collection method: clinical testing. Allele origin: germline.

Eurofins Ntd Llc (ga)
Classification: Benign. Last evaluated: 2013-07-23. Review status: criteria provided, single submitter. Criteria: EGL Classification Definitions 2015. Collection method: clinical testing. Allele origin: germline. Observed: 1 variant allele, 1 heterozygote.

Biesecker Lab/Clinical Genomics Section, National Institutes of Health
Classification: Benign. Last evaluated: 2013-06-24. Review status: criteria provided, single submitter. Criteria: Ng et al. (Circ Cardiovasc Genet. 2013). Collection method: research. Allele origin: unknown. Observed: 23 variant alleles. Study: ClinSeq.
Comment: The study set was not selected for affection status in relation to any cancer. Pathogenicity categories were based on literature curation. See Pubmed ID:23861362 for details.

Medical sequencing

GeneDx
Classification: Benign. Last evaluated: 2013-04-29. Review status: criteria provided, single submitter. Criteria: GeneDx Variant Classification (06012015). Collection method: clinical testing. Allele origin: germline. Affected: yes.
Comment: This variant is considered likely benign or benign based on one or more of the following criteria: it is a conservative change, it occurs at a poorly conserved position in the protein, it is predicted to be benign by multiple in silico algorithms, and/or has population frequency not consistent with disease.

Ambry Genetics
Classification: Benign for Cardiovascular phenotype. Last evaluated: 2013-03-06. Review status: criteria provided, single submitter. Criteria: Ambry Autosomal Dominant and X-Linked criteria (10/2015). Collection method: clinical testing. Allele origin: germline. Observed: 1 variant allele.

Laboratory for Molecular Medicine, Mass General Brigham Personalized Medicine
Classification: Benign. Last evaluated: 2012-04-24. Review status: criteria provided, single submitter. Criteria: LMM Criteria. Collection method: clinical testing. Allele origin: germline. Observed: 61 variant alleles.

Breakthrough Genomics
Classification: Likely benign. Review status: criteria provided, single submitter. Criteria: ACMG Guidelines, 2015. Collection method: not provided. Allele origin: germline. Inheritance: Autosomal recessive inheritance. Affected: yes.

PreventionGenetics, part of Exact Sciences
Classification: Benign. Review status: criteria provided, single submitter. Criteria: ACMG Guidelines, 2015. Collection method: clinical testing. Allele origin: germline.

Clinical Genetics DNA and cytogenetics Diagnostics Lab, Erasmus MC, Erasmus Medical Center
Classification: Benign. Review status: no assertion criteria provided. Collection method: clinical testing. Allele origin: germline. Affected: yes. Study: VKGL Data-share Consensus. Not counted in ClinVar's aggregate classification.

Clinical Genetics, Academic Medical Center
Classification: Benign. Review status: no assertion criteria provided. Collection method: clinical testing. Allele origin: germline. Affected: yes. Study: VKGL Data-share Consensus. Not counted in ClinVar's aggregate classification.

Genome Diagnostics Laboratory, University Medical Center Utrecht
Classification: Benign. Review status: no assertion criteria provided. Collection method: clinical testing. Allele origin: germline. Affected: yes. Study: VKGL Data-share Consensus. Not counted in ClinVar's aggregate classification.

Joint Genome Diagnostic Labs from Nijmegen and Maastricht, Radboudumc and MUMC+
Classification: Benign. Review status: no assertion criteria provided. Collection method: clinical testing. Allele origin: germline. Affected: yes. Study: VKGL Data-share Consensus. Not counted in ClinVar's aggregate classification.

NM_001267550.2(TTN):c.77638A>G (p.Thr25880Ala)

Genes: TTN (titin; minus strand), TTN-AS1 (TTN antisense RNA 1; plus strand). Cytogenetic location: 2q31.2.
Variant type: single nucleotide variant.
Coding change: c.77638A>G on transcript NM_001267550.2 (MANE Select); coding-DNA position 77638, A replaced by G.
Protein change: p.Thr25880Ala; replaces threonine 25880 with alanine.
Molecular consequence: missense variant.
Genome position (GRCh38, 1-based): chr2:178,568,494, T>C on the plus strand (A>G on the coding strand, the complement: TTN is on the minus strand). VCF-style: chr2-178568494-T-C. GRCh37 (hg19) VCF-style: chr2-179433221-T-C.
Other names: p.T23312A:ACA>GCA; c.72715A>G, p.Thr24239Ala (NM_001256850.1); c.50443A>G, p.Thr16815Ala (NM_003319.4); c.69934A>G, p.Thr23312Ala (NM_133378.4); c.50818A>G, p.Thr16940Ala (NM_133432.3); c.51019A>G, p.Thr17007Ala (NM_133437.4); short protein forms T25880A, T23312A, T24239A, T16815A, T17007A, T16940A.
Identifiers: ClinVar variation 47359 (VCV000047359.40), dbSNP rs56018860, ClinGen allele CA283796.
Genomic context (GRCh38, chr2:178,568,494, plus strand): 5'-ATTTAACAGGTCCTTTTGGAGGATCAGGTTTATCTAGAGTTACAATTTCGATGGATGCTG[T>C]CTTCTGACCAACAACATTGGCAACTGTGATTCCATATTGTCCACCATCATCCTTATGAGT-3'
Protein context (NP_001254479.2, residues 25870-25890): ITVANVVGQK[Thr25880Ala]ASIEIVTLDK